The following is an entry in ClinVar:

NM_032578.4(MYPN):c.3337G>A (p.Val1113Met)

Gene: MYPN (myopalladin; plus strand). Cytogenetic location: 10q21.3.
Variant type: single nucleotide variant.
Coding change: c.3337G>A on transcript NM_032578.4 (MANE Select); coding-DNA position 3337, G replaced by A.
Protein change: p.Val1113Met; replaces valine 1113 with methionine.
Molecular consequence: missense variant. On other transcripts: non-coding transcript variant (2).
Genome position (GRCh38, 1-based): chr10:68,199,419, G>A. VCF-style: chr10-68199419-G-A. GRCh37 (hg19) VCF-style: chr10-69959176-G-A.
Other names: c.3337G>A, p.Val1113Met (NM_001256267.2); c.2455G>A, p.Val819Met (NM_001256268.2); short protein forms V819M, V1113M.
Identifiers: ClinVar variation 2625936 (VCV002625936.3), dbSNP rs1425111182, ClinGen allele CA376859025.

ClinVar aggregate classification (germline): Uncertain significance (1 of 4 stars; one submission).

Conditions:
Cardiovascular phenotype. Identifiers: MedGen CN230736.

Submission:

Ambry Genetics
Classification: Uncertain significance for Cardiovascular phenotype. Last evaluated: 2025-09-04. Review status: criteria provided, single submitter. Criteria: Ambry Variant Classification Scheme 2023. Collection method: clinical testing. Allele origin: germline.
Comment: The p.V1113M variant (also known as c.3337G>A), located in coding exon 16 of the MYPN gene, results from a G to A substitution at nucleotide position 3337. The valine at codon 1113 is replaced by methionine, an amino acid with highly similar properties. This amino acid position is well conserved in available vertebrate species. In addition, the in silico prediction for this alteration is inconclusive. Based on the available evidence, the clinical significance of this variant remains unclear.